The following is an entry in ClinVar:

ClinVar aggregate classification (germline): Uncertain significance. Review status: criteria provided, multiple submitters, no conflicts (2 of 4 stars). 3 submissions from 3 submitters: Uncertain significance (3). Last evaluated 2023-04-11.

Conditions:
Pyridoxine-dependent epilepsy (EPEO4). Also called: Pyridoxine-Dependent Epilepsy - ALDH7A1; EPILEPSY, EARLY-ONSET, 4, VITAMIN B6-DEPENDENT; PYRIDOXINE DEPENDENCY WITH SEIZURES; Pyridoxine-Dependent Seizures. Identifiers: Orphanet 3006, MedGen C1849508, MONDO:0009945, OMIM 266100. Disease mechanism: loss of function.

Allele frequency attached by ClinVar (database versions not stated): gnomAD 0.00003 and 0.00002; gnomAD exomes 0.00001 and below 0.00001; TOPMed 0.00003.
gnomAD v4.1: 14 of 1,609,972 alleles (0.00087%); highest among the groups gnomAD compares: African/African-American, 0.016%; no homozygotes.

Submissions (3):

Genome-Nilou Lab
Classification: Uncertain significance for Pyridoxine-dependent epilepsy. Last evaluated: 2023-04-11. Review status: criteria provided, single submitter. Criteria: ACMG Guidelines, 2015. Collection method: clinical testing. Allele origin: germline. Affected: no.

Labcorp Genetics (formerly Invitae), Labcorp
Classification: Uncertain significance for Pyridoxine-dependent epilepsy. Last evaluated: 2022-08-19. Review status: criteria provided, single submitter. Criteria: Invitae Variant Classification Sherloc (09022015). Collection method: clinical testing. Allele origin: germline.
Comment: This sequence change affects codon 291 of the ALDH7A1 mRNA. It is a 'silent' change, meaning that it does not change the encoded amino acid sequence of the ALDH7A1 protein. This variant is present in population databases (no rsID available, gnomAD 0.01%). This variant has not been reported in the literature in individuals affected with ALDH7A1-related conditions. ClinVar contains an entry for this variant (Variation ID: 845367). Algorithms developed to predict the effect of sequence changes on RNA splicing suggest that this variant may create or strengthen a splice site. In summary, the available evidence is currently insufficient to determine the role of this variant in disease. Therefore, it has been classified as a Variant of Uncertain Significance.

GeneDx
Classification: Uncertain significance. Last evaluated: 2021-10-19. Review status: criteria provided, single submitter. Criteria: GeneDx Variant Classification Process June 2021. Collection method: clinical testing. Allele origin: germline. Affected: yes.
Comment: In silico analysis supports a deleterious effect on splicing; Has not been previously published as pathogenic or benign to our knowledge

NM_001182.5(ALDH7A1):c.873G>T (p.Gly291=)

Gene: ALDH7A1 (aldehyde dehydrogenase 7 family member A1; minus strand). Cytogenetic location: 5q23.2.
Variant type: single nucleotide variant.
Coding change: c.873G>T on transcript NM_001182.5 (MANE Select); coding-DNA position 873, G replaced by T.
Protein change: p.Gly291=; no amino-acid change (glycine 291 retained).
Molecular consequence: synonymous variant.
Genome position (GRCh38, 1-based): chr5:126,561,123, C>A on the plus strand (G>T on the coding strand, the complement: ALDH7A1 is on the minus strand). VCF-style: chr5-126561123-C-A. GRCh37 (hg19) VCF-style: chr5-125896815-C-A.
Other names: c.789G>T, p.Gly263= (NM_001201377.2); c.873G>T, p.Gly291= (NM_001202404.2).
Identifiers: ClinVar variation 845367 (VCV000845367.7), dbSNP rs939560417, ClinGen allele CA126891129.